The following is an entry in ClinVar:

NM_018480.7(TMEM126B):c.269del (p.Asn90fs)

Gene: TMEM126B (transmembrane protein 126B; plus strand). Cytogenetic location: 11q14.1.
Variant type: Deletion.
Coding change: c.269del on transcript NM_018480.7 (MANE Select); coding-DNA position 269, one base deleted (A; older notation c.269delA).
Protein change: p.Asn90fs; shifts the reading frame from asparagine 90.
Molecular consequence: frameshift variant. On other transcripts: non-coding transcript variant (2).
Genome position (GRCh38, 1-based): chr11:85,634,151, A deleted; the last of 3 consecutive A bases (chr11:85,634,149-85,634,151); deleting any one gives the same sequence. VCF-style (leftmost placement, unchanged base first): chr11-85634148-CA-C. GRCh37 (hg19) VCF-style: chr11-85345192-CA-C.
Other names: c.147del, p.Lys49fs (NM_001350393.1); c.269del, p.Asn90fs (NM_001350394.2); c.209del, p.Asn70fs (NM_001350395.2, NM_001193537.3); c.179del, p.Asn60fs (NM_001350396.2, NM_001193538.3, NM_001256546.2); c.131del, p.Asn44fs (NM_001256547.2); short protein forms K49fs, N70fs, N44fs, N60fs, N90fs.
Identifiers: ClinVar variation 3695445 (VCV003695445.2).

ClinVar aggregate classification (germline): Pathogenic (1 of 4 stars; one submission).

Submission:

Labcorp Genetics (formerly Invitae), Labcorp
Classification: Pathogenic. Last evaluated: 2025-02-13. Review status: criteria provided, single submitter. Criteria: Invitae Variant Classification Sherloc (09022015). Collection method: clinical testing. Allele origin: germline.
Comment: This sequence change creates a premature translational stop signal (p.Asn90Thrfs*15) in the TMEM126B gene. It is expected to result in an absent or disrupted protein product. Loss-of-function variants in TMEM126B are known to be pathogenic (PMID: 27374774). This variant is not present in population databases (gnomAD no frequency). This variant has not been reported in the literature in individuals affected with TMEM126B-related conditions. For these reasons, this variant has been classified as Pathogenic.

Literature cited by the submitters: PubMed 27374774.